The following is an entry in ClinVar:

NM_000124.4(ERCC6):c.281del (p.Gly94fs)

Gene: ERCC6 (ERCC excision repair 6, chromatin remodeling factor; minus strand). Cytogenetic location: 10q11.23.
Variant type: Deletion.
Coding change: c.281del on transcript NM_000124.4 (MANE Select); coding-DNA position 281, one base deleted (G; older notation c.281delG).
Protein change: p.Gly94fs; shifts the reading frame from glycine 94.
Molecular consequence: frameshift variant.
Genome position (GRCh38, 1-based): chr10:49,532,684, C deleted on the plus strand (G on the coding strand, the reverse complement: ERCC6 is on the minus strand); the first of 3 consecutive C bases (chr10:49,532,684-49,532,686); deleting any one gives the same sequence. VCF-style (leftmost placement, unchanged base first): chr10-49532683-AC-A. GRCh37 (hg19) VCF-style: chr10-50740729-AC-A.
Other names: c.281del, p.Gly94fs (NM_001277058.2, NM_001277059.2, NM_001346440.2); short protein forms G94fs.
Identifiers: ClinVar variation 5012582 (VCV005012582.1).

ClinVar aggregate classification (germline): Pathogenic (1 of 4 stars; one submission).

Conditions:
Cockayne spectrum with or without cerebrooculofacioskeletal syndrome. Identifiers: MedGen CN315928, MONDO:0100506.

Submission:

Myriad Genetics, Inc.
Classification: Pathogenic for Cockayne spectrum with or without cerebrooculofacioskeletal syndrome. Last evaluated: 2023-12-17. Review status: criteria provided, single submitter. Criteria: Myriad Autosomal Dominant, Autosomal Recessive and X-Linked Classification Criteria (2023). Collection method: clinical testing. Allele origin: unknown.
Comment: NM_000124.2(ERCC6):c.281delG(G94Vfs*54) is expected to be pathogenic in the context of ERCC6-related disorders. This variant is predicted to lead to an abnormal or absent protein product due to the creation of a premature termination codon in ERCC6, a gene where loss-of-function variants are known to be pathogenic. Please note: this variant was assessed in the context of healthy population screening.